The following is an entry in ClinVar:

NM_004380.3(CREBBP):c.3576C>G (p.Val1192=)

Gene: CREBBP (CREB binding lysine acetyltransferase; minus strand). Cytogenetic location: 16p13.3.
Variant type: single nucleotide variant.
Coding change: c.3576C>G on transcript NM_004380.3 (MANE Select); coding-DNA position 3576, C replaced by G.
Protein change: p.Val1192=; no amino-acid change (valine 1192 retained).
Molecular consequence: synonymous variant.
Genome position (GRCh38, 1-based): chr16:3,757,842, G>C on the plus strand (C>G on the coding strand, the complement: CREBBP is on the minus strand). VCF-style: chr16-3757842-G-C. GRCh37 (hg19) VCF-style: chr16-3807843-G-C.
Other names: c.3576C>G (NM_004380.2); c.3462C>G, p.Val1154= (NM_001079846.1).
Identifiers: ClinVar variation 1571067 (VCV001571067.10), dbSNP rs775872294, ClinGen allele CA7869798.

ClinVar aggregate classification (germline): Likely benign. Review status: criteria provided, multiple submitters, no conflicts (2 of 4 stars). 3 submissions from 3 submitters: Likely benign (2). 1 of the submissions does not count toward it. Last evaluated 2026-01-05.

Conditions:
CREBBP-related disorder. Also called: CREBBP-related disorders; CREBBP-related condition.
Rubinstein-Taybi syndrome (RSTS). Identifiers: Orphanet 783, MedGen C0035934, MONDO:0019188.

Allele frequency attached by ClinVar (database versions not stated): gnomAD 0.00001; gnomAD exomes 0.00001; TOPMed 0.00001; ExAC 0.00002.

Submissions (3):

Labcorp Genetics (formerly Invitae), Labcorp
Classification: Likely benign for Rubinstein-Taybi syndrome. Last evaluated: 2026-01-05. Review status: criteria provided, single submitter. Criteria: Invitae Variant Classification Sherloc (09022015). Collection method: clinical testing. Allele origin: germline.

Blueprint Genetics
Classification: Likely benign. Last evaluated: 2021-09-16. Review status: criteria provided, single submitter. Criteria: ACMG Guidelines, 2015. Collection method: clinical testing. Allele origin: germline.

PreventionGenetics, part of Exact Sciences
Classification: Likely benign for CREBBP-related condition. Last evaluated: 2023-11-30. Review status: no assertion criteria provided. Collection method: clinical testing. Allele origin: germline. Not counted in ClinVar's aggregate classification.
Comment: This variant is classified as likely benign based on ACMG/AMP sequence variant interpretation guidelines (Richards et al. 2015 PMID: 25741868, with internal and published modifications).